The following is an entry in ClinVar:

ClinVar aggregate classification (germline): Uncertain significance (1 of 4 stars; one submission).

Allele frequency attached by ClinVar (database versions not stated): gnomAD 0.00001; TOPMed 0.00001; gnomAD exomes 0.00002; ExAC 0.00001.
gnomAD v4.1: 29 of 1,613,840 alleles (0.0018%); highest among the groups gnomAD compares: Non-Finnish European, 0.0025%; no homozygotes.

Submission:

Labcorp Genetics (formerly Invitae), Labcorp
Classification: Uncertain significance. Last evaluated: 2022-06-13. Review status: criteria provided, single submitter. Criteria: Invitae Variant Classification Sherloc (09022015). Collection method: clinical testing. Allele origin: germline.
Comment: This sequence change replaces serine, which is neutral and polar, with cysteine, which is neutral and slightly polar, at codon 1655 of the PCDH15 protein (p.Ser1655Cys). This variant is present in population databases (rs758642174, gnomAD 0.004%). This variant has not been reported in the literature in individuals affected with PCDH15-related conditions. Algorithms developed to predict the effect of missense changes on protein structure and function are either unavailable or do not agree on the potential impact of this missense change (SIFT: "Deleterious"; PolyPhen-2: "Benign"; Align-GVGD: "Class C0"). In summary, the available evidence is currently insufficient to determine the role of this variant in disease. Therefore, it has been classified as a Variant of Uncertain Significance.

NM_033056.4(PCDH15):c.4964C>G (p.Ser1655Cys)

Gene: PCDH15 (protocadherin related 15; minus strand). Cytogenetic location: 10q21.1.
Variant type: single nucleotide variant.
Coding change: c.4964C>G on transcript NM_033056.4 (MANE Plus Clinical); coding-DNA position 4964, C replaced by G.
Protein change: p.Ser1655Cys; replaces serine 1655 with cysteine.
Molecular consequence: missense variant. On other transcripts: intron variant (8).
Genome position (GRCh38, 1-based): chr10:53,822,762, G>C on the plus strand (C>G on the coding strand, the complement: PCDH15 is on the minus strand). VCF-style: chr10-53822762-G-C. GRCh37 (hg19) VCF-style: chr10-55582522-G-C.
Other names: c.4985C>G, p.Ser1662Cys (NM_001142763.2); c.4970C>G, p.Ser1657Cys (NM_001142764.2); c.4757C>G, p.Ser1586Cys (NM_001142765.2); c.4955C>G, p.Ser1652Cys (NM_001142766.2); c.4844C>G, p.Ser1615Cys (NM_001142767.2); c.4904C>G, p.Ser1635Cys (NM_001142768.2); c.4895C>G, p.Ser1632Cys (NM_001142773.2); c.4898C>G, p.Ser1633Cys (NM_001354404.2); and 6 more; short protein forms S1655C, S1633C, S1635C, S1586C, S1615C, S1652C, S1657C, S1662C.
Identifiers: ClinVar variation 2059223 (VCV002059223.1), dbSNP rs758642174, ClinGen allele CA5505149.